The following is an entry in ClinVar:

ClinVar aggregate classification (germline): Uncertain significance. Review status: criteria provided, multiple submitters, no conflicts (2 of 4 stars). 2 submissions from 2 submitters: Uncertain significance (2). Last evaluated 2025-07-25.

Conditions:
Familial acute necrotizing encephalopathy (IIAE3). Also called: ENCEPHALOPATHY, ACUTE, INFECTION-INDUCED, SUSCEPTIBILITY TO, 3; Susceptibility to Acute Necrotizing Encephalopathy 1. Identifiers: Orphanet 88619, MedGen C2675556, MONDO:0011953, OMIM 608033.

gnomAD v4.1: 3 of 1,610,326 alleles (0.00019%); highest among the groups gnomAD compares: Non-Finnish European, 0.00025%; no homozygotes.

Submissions (2):

Dasa
Classification: Uncertain significance. Last evaluated: 2025-07-25. Review status: criteria provided, single submitter. Criteria: DASA Assertion Criteria. Collection method: clinical testing. Allele origin: germline.
Comment: NM_006267.5(RANBP2):c.1492C>G (p.Gln498Glu) is a missense variant that results in the substitution of glutamine with glutamic acid. This variant is rare in population databases. Computational prediction algorithms are consistent with a benign effect. The currently available literature and clinical evidence are not sufficient to establish a definitive association between this variant and the reported condition. Therefore, this variant is classified as a variant of uncertain significance.

Labcorp Genetics (formerly Invitae), Labcorp
Classification: Uncertain significance for Familial acute necrotizing encephalopathy. Last evaluated: 2020-08-18. Review status: criteria provided, single submitter. Criteria: Invitae Variant Classification Sherloc (09022015). Collection method: clinical testing. Allele origin: germline.
Comment: In summary, the available evidence is currently insufficient to determine the role of this variant in disease. Therefore, it has been classified as a Variant of Uncertain Significance. This sequence change replaces glutamine with glutamic acid at codon 498 of the RANBP2 protein (p.Gln498Glu). The glutamine residue is highly conserved and there is a small physicochemical difference between glutamine and glutamic acid. This variant is not present in population databases (ExAC no frequency). This variant has not been reported in the literature in individuals with RANBP2-related conditions. Algorithms developed to predict the effect of missense changes on protein structure and function are either unavailable or do not agree on the potential impact of this missense change (SIFT: "Deleterious"; PolyPhen-2: "Benign"; Align-GVGD: "Class C25").

NM_006267.5(RANBP2):c.1492C>G (p.Gln498Glu)

Gene: RANBP2 (RAN binding protein 2; plus strand). Cytogenetic location: 2q13.
Variant type: single nucleotide variant.
Coding change: c.1492C>G on transcript NM_006267.5 (MANE Select); coding-DNA position 1492, C replaced by G.
Protein change: p.Gln498Glu; replaces glutamine 498 with glutamic acid.
Molecular consequence: missense variant.
Genome position (GRCh38, 1-based): chr2:108,751,564, C>G. VCF-style: chr2-108751564-C-G. GRCh37 (hg19) VCF-style: chr2-109368020-C-G.
Other names: short protein forms Q498E.
Identifiers: ClinVar variation 1055795 (VCV001055795.7), dbSNP rs768171637, ClinGen allele CA348049351.